The following is an entry in ClinVar:

ClinVar aggregate classification (germline): Benign. Review status: criteria provided, multiple submitters, no conflicts (2 of 4 stars). 7 submissions from 7 submitters: Benign (5). 2 of the submissions do not count toward it. Last evaluated 2026-02-04.

Conditions:
Congenital lactic acidosis, Saguenay-Lac-Saint-Jean type (MC4DN5). Also called: MITOCHONDRIAL COMPLEX IV DEFICIENCY, NUCLEAR TYPE 5; CYTOCHROME c OXIDASE DEFICIENCY, FRENCH CANADIAN TYPE; COX DEFICIENCY, FRENCH CANADIAN TYPE. Identifiers: Orphanet 70472, MedGen C1857355, MONDO:0009069, OMIM 220111.

Allele frequency attached by ClinVar (database versions not stated): ExAC 0.00226; gnomAD exomes 0.00285; ESP Exome Variant Server 0.01414; gnomAD 0.02318 and 0.02459; 1000 Genomes Project 0.02556; TOPMed 0.02651; 1000 Genomes Project 30x 0.02858.
gnomAD v4.1: 6,777 of 1,515,774 alleles (0.45%); highest among the groups gnomAD compares: African/African-American, 8.1%; 277 homozygotes.

Submissions (7):

Labcorp Genetics (formerly Invitae), Labcorp
Classification: Benign. Last evaluated: 2026-02-04. Review status: criteria provided, single submitter. Criteria: Invitae Variant Classification Sherloc (09022015). Collection method: clinical testing. Allele origin: germline.

Illumina Laboratory Services, Illumina
Classification: Benign for Congenital lactic acidosis, Saguenay-Lac-Saint-Jean type. Last evaluated: 2018-01-13. Review status: criteria provided, single submitter. Criteria: ICSL Variant Classification Criteria 13 December 2019. Collection method: clinical testing. Allele origin: germline.
Comment: This variant was observed in the ICSL laboratory as part of a predisposition screen in an ostensibly healthy population. It had not been previously curated by ICSL or reported in the Human Gene Mutation Database (HGMD: prior to June 1st, 2018), and was therefore a candidate for classification through an automated scoring system. Utilizing variant allele frequency, disease prevalence and penetrance estimates, and inheritance mode, an automated score was calculated to assess if this variant is too frequent to cause the disease. Based on the score and internal cut-off values, a variant classified as benign is not then subjected to further curation. The score for this variant resulted in a classification of benign for this disease.

ARUP Laboratories, Molecular Genetics and Genomics, ARUP Laboratories
Classification: Benign. Last evaluated: 2017-08-14. Review status: criteria provided, single submitter. Criteria: ARUP Molecular Germline Variant Investigation Process. Collection method: clinical testing. Allele origin: germline.

GeneDx
Classification: Benign. Last evaluated: 2014-04-22. Review status: criteria provided, single submitter. Criteria: GeneDx Variant Classification (06012015). Collection method: clinical testing. Allele origin: germline. Affected: yes.
Comment: This variant is considered likely benign or benign based on one or more of the following criteria: it is a conservative change, it occurs at a poorly conserved position in the protein, it is predicted to be benign by multiple in silico algorithms, and/or has population frequency not consistent with disease.

Breakthrough Genomics
Classification: Benign. Review status: criteria provided, single submitter. Criteria: ACMG Guidelines, 2015. Collection method: not provided. Allele origin: germline. Inheritance: Autosomal recessive inheritance. Affected: yes.

Natera, Inc.
Classification: Benign for French-Canadian type Leigh syndrome. Last evaluated: 2020-09-16. Review status: no assertion criteria provided. Collection method: clinical testing. Allele origin: germline. Not counted in ClinVar's aggregate classification.

Mayo Clinic Laboratories, Mayo Clinic
Classification: Benign. Last evaluated: 2017-03-22. Review status: no assertion criteria provided. Collection method: clinical testing. Allele origin: unknown. Not counted in ClinVar's aggregate classification.

NM_133259.4(LRPPRC):c.41C>G (p.Ala14Gly)

Gene: LRPPRC (leucine rich pentatricopeptide repeat containing; minus strand). Cytogenetic location: 2p21.
Variant type: single nucleotide variant.
Coding change: c.41C>G on transcript NM_133259.4 (MANE Select); coding-DNA position 41, C replaced by G.
Protein change: p.Ala14Gly; replaces alanine 14 with glycine.
Molecular consequence: missense variant.
Genome position (GRCh38, 1-based): chr2:43,995,907, G>C on the plus strand (C>G on the coding strand, the complement: LRPPRC is on the minus strand). VCF-style: chr2-43995907-G-C. GRCh37 (hg19) VCF-style: chr2-44223046-G-C.
Other names: p.A14G:GCC>GGC; short protein forms A14G.
Identifiers: ClinVar variation 138148 (VCV000138148.28), dbSNP rs114205971, ClinGen allele CA291979.